The following is an entry in ClinVar:

ClinVar aggregate classification (germline): Benign/Likely benign. Review status: criteria provided, multiple submitters, no conflicts (2 of 4 stars). 3 submissions from 3 submitters: Benign (1); Likely benign (2). Last evaluated 2026-05-20.

Conditions:
Neurofibromatosis, type 1 (NF1). Also called: NEUROFIBROMATOSIS, TYPE I, SOMATIC; Peripheral type neurofibromatosis; VON RECKLINGHAUSEN DISEASE; Neurofibromatosis, type I. Identifiers: Orphanet 636, MedGen C0027831, MONDO:0018975, OMIM 162200. Disease mechanism: loss of function.
Cardiovascular phenotype. Identifiers: MedGen CN230736.
Hereditary cancer-predisposing syndrome. Also called: Tumor predisposition; Hereditary Cancer Syndrome; Hereditary neoplastic syndrome; Neoplastic Syndromes, Hereditary. Identifiers: Orphanet 140162, MedGen C0027672, MeSH D009386, MONDO:0015356.

Allele frequency attached by ClinVar (database versions not stated): TOPMed below 0.00001; gnomAD 0.00001; gnomAD exomes below 0.00001.
gnomAD v4.1: 2 of 1,614,108 alleles (0.00012%); highest among the groups gnomAD compares: African/African-American, 0.0027%; no homozygotes.

Submissions (3):

Myriad Genetics, Inc.
Classification: Benign for Neurofibromatosis, type 1. Last evaluated: 2026-05-20. Review status: criteria provided, single submitter. Criteria: Myriad Autosomal Dominant, Autosomal Recessive and X-Linked Classification Criteria (2023). Collection method: clinical testing. Allele origin: unknown.
Comment: This variant is considered benign. This variant is a silent/synonymous amino acid change and it is not expected to impact splicing.

Labcorp Genetics (formerly Invitae), Labcorp
Classification: Likely benign for Neurofibromatosis, type 1. Last evaluated: 2025-07-18. Review status: criteria provided, single submitter. Criteria: Invitae Variant Classification Sherloc (09022015). Collection method: clinical testing. Allele origin: germline.

Ambry Genetics
Classification: Likely benign for Cardiovascular phenotype; Hereditary cancer-predisposing syndrome. Last evaluated: 2024-06-26. Review status: criteria provided, single submitter. Criteria: Ambry Variant Classification Scheme 2023. Collection method: clinical testing. Allele origin: germline.

NM_001042492.3(NF1):c.4891T>C (p.Leu1631=)

Gene: NF1 (neurofibromin 1; plus strand). Cytogenetic location: 17q11.2.
Variant type: single nucleotide variant.
Coding change: c.4891T>C on transcript NM_001042492.3 (MANE Select); coding-DNA position 4891, T replaced by C.
Protein change: p.Leu1631=; no amino-acid change (leucine 1631 retained).
Molecular consequence: synonymous variant.
Genome position (GRCh38, 1-based): chr17:31,325,875, T>C. VCF-style: chr17-31325875-T-C. GRCh37 (hg19) VCF-style: chr17-29652893-T-C.
Other names: c.4828T>C, p.Leu1610= (NM_000267.4).
Identifiers: ClinVar variation 752621 (VCV000752621.9), dbSNP rs1455791933, ClinGen allele CA499232947.